The following is an entry in ClinVar:

ClinVar aggregate classification (germline): Uncertain significance (1 of 4 stars; one submission).

Conditions:
Immunodeficiency 51 (IMD51). Also called: CANDIDIASIS, FAMILIAL, 5. Identifiers: Orphanet 1334, MedGen C4310803, MONDO:0013500, OMIM 613953.

Submission:

Labcorp Genetics (formerly Invitae), Labcorp
Classification: Uncertain significance for Immunodeficiency 51. Last evaluated: 2024-10-16. Review status: criteria provided, single submitter. Criteria: Invitae Variant Classification Sherloc (09022015). Collection method: clinical testing. Allele origin: germline.
Comment: This sequence change replaces glutamic acid, which is acidic and polar, with lysine, which is basic and polar, at codon 810 of the IL17RA protein (p.Glu810Lys). This variant is not present in population databases (gnomAD no frequency). This variant has not been reported in the literature in individuals affected with IL17RA-related conditions. ClinVar contains an entry for this variant (Variation ID: 641813). An algorithm developed to predict the effect of missense changes on protein structure and function (PolyPhen-2) suggests that this variant is likely to be disruptive. In summary, the available evidence is currently insufficient to determine the role of this variant in disease. Therefore, it has been classified as a Variant of Uncertain Significance.

NM_014339.7(IL17RA):c.2428G>A (p.Glu810Lys)

Gene: IL17RA (interleukin 17 receptor A; plus strand). Cytogenetic location: 22q11.1.
Variant type: single nucleotide variant.
Coding change: c.2428G>A on transcript NM_014339.7 (MANE Select); coding-DNA position 2428, G replaced by A.
Protein change: p.Glu810Lys; replaces glutamic acid 810 with lysine.
Molecular consequence: missense variant.
Genome position (GRCh38, 1-based): chr22:17,109,647, G>A. VCF-style: chr22-17109647-G-A. GRCh37 (hg19) VCF-style: chr22-17590537-G-A.
Other names: c.2326G>A, p.Glu776Lys (NM_001289905.2); short protein forms E776K, E810K.
Identifiers: ClinVar variation 641813 (VCV000641813.10), dbSNP rs1601351180, ClinGen allele CA410222173.
Genomic context (GRCh38, chr22:17,109,647, plus strand): 5'-GTGCAGTCTGACCAGGGCTACATCTCCAGGAGCTCCCCGCAGCCCCCCGAGGGACTCACG[G>A]AAATGGAGGAAGAGGAGGAAGAGGAGCAGGACCCAGGGAAGCCGGCCCTGCCACTCTCTC-3'
Protein context (NP_055154.3, residues 800-820): SSPQPPEGLT[Glu810Lys]MEEEEEEEQD